The following is an entry in ClinVar:

ClinVar aggregate classification (germline): Uncertain significance. Review status: criteria provided, single submitter (1 of 4 stars). 2 submissions from 2 submitters: Uncertain significance (1). 1 of the submissions does not count toward it. Last evaluated 2018-08-13.

Conditions:
MKKS-related disorder. Also called: MKKS-related disorders; MKKS-related condition.

Submissions (2):

Blueprint Genetics
Classification: Uncertain significance. Last evaluated: 2018-08-13. Review status: criteria provided, single submitter. Criteria: ACMG Guidelines, 2015. Collection method: clinical testing. Allele origin: germline.

PreventionGenetics, part of Exact Sciences
Classification: Uncertain significance for MKKS-related condition. Last evaluated: 2023-11-11. Review status: no assertion criteria provided. Collection method: clinical testing. Allele origin: germline. Not counted in ClinVar's aggregate classification.
Comment: The MKKS c.1090A>T variant is predicted to result in the amino acid substitution p.Ile364Phe. To our knowledge, this variant has not been reported in the literature or in a large population database, indicating this variant is rare. At this time, the clinical significance of this variant is uncertain due to the absence of conclusive functional and genetic evidence.

NM_170784.3(MKKS):c.1090A>T (p.Ile364Phe)

Gene: MKKS (MKKS centrosomal shuttling protein; minus strand). Cytogenetic location: 20p12.2.
Variant type: single nucleotide variant.
Coding change: c.1090A>T on transcript NM_170784.3 (MANE Select); coding-DNA position 1090, A replaced by T.
Protein change: p.Ile364Phe; replaces isoleucine 364 with phenylalanine.
Molecular consequence: missense variant. On other transcripts: non-coding transcript variant (1).
Genome position (GRCh38, 1-based): chr20:10,408,699, T>A on the plus strand (A>T on the coding strand, the complement: MKKS is on the minus strand). VCF-style: chr20-10408699-T-A. GRCh37 (hg19) VCF-style: chr20-10389347-T-A.
Other names: c.1090A>T, p.Ile364Phe (NM_018848.3); short protein forms I364F.
Identifiers: ClinVar variation 3356624 (VCV003356624.2).